The following is an entry in ClinVar:

NM_001961.4(EEF2):c.1346+2_1346+3del

Gene: EEF2 (eukaryotic translation elongation factor 2; minus strand). Cytogenetic location: 19p13.3.
Variant type: Deletion.
Coding change: c.1346+2_1346+3del on transcript NM_001961.4 (MANE Select); the canonical splice donor site of the intron after coding-DNA position 1346 through 3 bases into the intron after coding-DNA position 1346, 2 bases deleted (TG; older notation c.1346+2_1346+3delTG).
Molecular consequence: splice donor variant.
Genome position (GRCh38, 1-based): chr19:3,980,511-3,980,512, CA deleted on the plus strand (TG on the coding strand, the reverse complement: EEF2 is on the minus strand); deleting any 2 consecutive bases within chr19:3,980,511-3,980,513 gives the same sequence; the c. name uses the placement nearest the transcript's 3' end. VCF-style (leftmost placement, unchanged base first): chr19-3980510-TCA-T. GRCh37 (hg19) VCF-style: chr19-3980508-TCA-T.
Identifiers: ClinVar variation 3767875 (VCV003767875.1).

ClinVar aggregate classification (germline): Uncertain significance (1 of 4 stars; one submission).

Conditions:
Motor delay. Also called: Motor retardation; Motor Developmental Delay. Identifiers: MedGen C1854301, HP:0001270.

Submission:

Clinical Genetics Laboratory, Skane University Hospital Lund
Classification: Uncertain significance for Motor delay. Last evaluated: 2024-07-09. Review status: criteria provided, single submitter. Criteria: ACMG Guidelines, 2015. Collection method: clinical testing. Allele origin: de novo. Affected: yes.
Comment: PM2, PP3 (donor loss)